The following is an entry in ClinVar:

NM_001378414.1(HDAC4):c.2815G>A (p.Asp939Asn)

Gene: HDAC4 (histone deacetylase 4; minus strand). Cytogenetic location: 2q37.3.
Variant type: single nucleotide variant.
Coding change: c.2815G>A on transcript NM_001378414.1 (MANE Select); coding-DNA position 2815, G replaced by A.
Protein change: p.Asp939Asn; replaces aspartic acid 939 with asparagine.
Molecular consequence: missense variant.
Genome position (GRCh38, 1-based): chr2:239,068,543, C>T on the plus strand (G>A on the coding strand, the complement: HDAC4 is on the minus strand). VCF-style: chr2-239068543-C-T. GRCh37 (hg19) VCF-style: chr2-239990239-C-T.
Other names: c.2815G>A, p.Asp939Asn (NM_001378415.1); c.2800G>A, p.Asp934Asn (NM_001378416.1, NM_001378417.1, NM_006037.4); short protein forms D934N, D939N.
Identifiers: ClinVar variation 2501430 (VCV002501430.1), dbSNP rs2470268614, ClinGen allele CA351256925.

ClinVar aggregate classification (germline): Uncertain significance (1 of 4 stars; one submission).

Allele frequency attached by ClinVar (database versions not stated): gnomAD exomes below 0.00001.
gnomAD v4.1: 1 of 1,614,070 alleles (0.000062%); highest among the groups gnomAD compares: Non-Finnish European, 0.000085%; no homozygotes.

Submission:

GeneDx
Classification: Uncertain significance. Last evaluated: 2022-11-07. Review status: criteria provided, single submitter. Criteria: GeneDx Variant Classification Process June 2021. Collection method: clinical testing. Allele origin: germline. Affected: yes.
Comment: Not observed at significant frequency in large population cohorts (gnomAD); In silico analysis supports that this missense variant has a deleterious effect on protein structure/function; Has not been previously published as pathogenic or benign to our knowledge